The following is an entry in ClinVar:

NM_006035.4(CDC42BPB):c.4103A>G (p.Asn1368Ser)

Gene: CDC42BPB (CDC42 binding protein kinase beta; minus strand). Cytogenetic location: 14q32.32.
Variant type: single nucleotide variant.
Coding change: c.4103A>G on transcript NM_006035.4 (MANE Select); coding-DNA position 4103, A replaced by G.
Protein change: p.Asn1368Ser; replaces asparagine 1368 with serine.
Molecular consequence: missense variant.
Genome position (GRCh38, 1-based): chr14:102,944,196, T>C on the plus strand (A>G on the coding strand, the complement: CDC42BPB is on the minus strand). VCF-style: chr14-102944196-T-C. GRCh37 (hg19) VCF-style: chr14-103410533-T-C.
Other names: c.4025A>G, p.Asn1342Ser (NM_001411054.1); short protein forms N1342S, N1368S.
Identifiers: ClinVar variation 3376483 (VCV003376483.1).

ClinVar aggregate classification (germline): Uncertain significance (1 of 4 stars; one submission).

Conditions:
Chilton-Okur-Chung neurodevelopmental syndrome (CHOCNS). Identifiers: MedGen C5677022, MONDO:0859239, OMIM 619841.

gnomAD v4.1: 24 of 1,613,330 alleles (0.0015%); highest among the groups gnomAD compares: Admixed American, 0.0033%; no homozygotes.

Submission:

Pittsburgh Clinical Genomics Laboratory, University of Pittsburgh Medical Center
Classification: Uncertain significance for Chilton-Okur-Chung neurodevelopmental syndrome. Last evaluated: 2024-03-08. Review status: criteria provided, single submitter. Criteria: ACMG Guidelines, 2015. Collection method: clinical testing. Allele origin: germline. Inheritance: Autosomal dominant inheritance. Affected: yes.
Comment: This sequence variant is a single nucleotide substitution (A>G) at position 4103 of the coding sequence of the CDC42BPB gene that results in an asparagine to serine amino acid change at residue 1368 of the CDC42 binding protein kinase beta protein. The 1368 residue falls in the citron homology (CNH) domain of CDC42 binding protein kinase beta (UniProt). This variant is absent from ClinVar and has not been observed in individuals affected by a CDC42BPB-related disorder in the published literature, to our knowledge. This variant is present in 24 of 1613330 alleles (0.0015%) in the gnomAD v4.0.0 population dataset. Multiple bioinformatic tools predict that this amino acid change would be neutral, and the Asn1368 residue at this position is poorly conserved across the vertebrate species examined. Studies examining the functional consequence of this variant have not been published, to our knowledge. At this time, there is insufficient evidence to determine if this variant is pathogenic or benign. Therefore, we consider this a variant of uncertain significance. ACMG Criteria: BP4, PM2